The following is an entry in ClinVar:

ClinVar aggregate classification (germline): Benign. Review status: criteria provided, multiple submitters, no conflicts (2 of 4 stars). 3 submissions from 2 submitters: Benign (3). Last evaluated 2018-01-12.

Conditions:
Retinitis pigmentosa (RP). Identifiers: Orphanet 791, MedGen C0035334, MeSH D012174, MONDO:0019200, OMIM 268000. Inheritance: Autosomal dominant, autosomal recessive and X linked inheritance.
Congenital stationary night blindness autosomal dominant 1. Also called: NIGHT BLINDNESS, CONGENITAL STATIONARY, RHODOPSIN-RELATED. Identifiers: Orphanet 215, MedGen C1864869, MONDO:0012498, OMIM 610445.

Allele frequency attached by ClinVar (database versions not stated): gnomAD exomes 0.07073; gnomAD 0.37545 and 0.37600; TOPMed 0.41051; 1000 Genomes Project 0.52097; 1000 Genomes Project 30x 0.52904.
gnomAD v4.1: 56,900 of 152,558 alleles (37%); highest among the groups gnomAD compares: African/African-American, 81%; 17,151 homozygotes.

Submissions (3):

Illumina Laboratory Services, Illumina
Classification: Benign for Congenital stationary night blindness autosomal dominant 1. Last evaluated: 2018-01-12. Review status: criteria provided, single submitter. Criteria: ICSL Variant Classification Criteria 13 December 2019. Collection method: clinical testing. Allele origin: germline.
Comment: This variant was observed in the ICSL laboratory as part of a predisposition screen in an ostensibly healthy population. It had not been previously curated by ICSL or reported in the Human Gene Mutation Database (HGMD: prior to June 1st, 2018), and was therefore a candidate for classification through an automated scoring system. Utilizing variant allele frequency, disease prevalence and penetrance estimates, and inheritance mode, an automated score was calculated to assess if this variant is too frequent to cause the disease. Based on the score and internal cut-off values, a variant classified as benign is not then subjected to further curation. The score for this variant resulted in a classification of benign for this disease.

Illumina Laboratory Services, Illumina
Classification: Benign for Retinitis pigmentosa. Last evaluated: 2018-01-12. Review status: criteria provided, single submitter. Criteria: ICSL Variant Classification Criteria 13 December 2019. Collection method: clinical testing. Allele origin: germline.
Comment: the same text as in the submission from Illumina Laboratory Services, Illumina above.

Breakthrough Genomics
Classification: Benign. Review status: criteria provided, single submitter. Criteria: ACMG Guidelines, 2015. Collection method: not provided. Allele origin: germline. Inheritance: Autosomal dominant inheritance. Affected: yes.

NM_000539.3(RHO):c.*912A>G

Gene: RHO (rhodopsin; plus strand). Cytogenetic location: 3q22.1.
Variant type: single nucleotide variant.
Coding change: c.*912A>G on transcript NM_000539.3 (MANE Select); 912 bases downstream of the stop codon, A replaced by G.
Molecular consequence: 3 prime UTR variant.
Genome position (GRCh38, 1-based): chr3:129,534,630, A>G. VCF-style: chr3-129534630-A-G. GRCh37 (hg19) VCF-style: chr3-129253473-A-G.
Identifiers: ClinVar variation 343302 (VCV000343302.6), dbSNP rs2855558, ClinGen allele CA10614862.